The following is an entry in ClinVar:

ClinVar aggregate classification (germline): Uncertain significance (1 of 4 stars; one submission).

gnomAD v4.1: 1 of 1,614,108 alleles (0.000062%); highest among the groups gnomAD compares: South Asian, 0.0011%; no homozygotes.

Submission:

Ambry Genetics
Classification: Uncertain significance. Last evaluated: 2026-04-06. Review status: criteria provided, single submitter. Criteria: Ambry Variant Classification Scheme 2023. Collection method: clinical testing. Allele origin: germline.
Comment: The p.F302S variant (also known as c.905T>C), located in coding exon 4 of the PALLD gene, results from a T to C substitution at nucleotide position 905. The phenylalanine at codon 302 is replaced by serine, an amino acid with highly dissimilar properties. This amino acid position is conserved. In addition, the in silico prediction for this alteration is inconclusive. Based on the available evidence, the clinical significance of this variant remains unclear.

NM_001166108.2(PALLD):c.2417T>C (p.Phe806Ser)

Genes: CBR4 (carbonyl reductase 4; minus strand), PALLD (palladin, cytoskeletal associated protein; plus strand). Cytogenetic location: 4q32.3.
Variant type: single nucleotide variant.
Coding change: c.2417T>C on transcript NM_001166108.2 (MANE Select); coding-DNA position 2417, T replaced by C.
Protein change: p.Phe806Ser; replaces phenylalanine 806 with serine.
Molecular consequence: missense variant.
Genome position (GRCh38, 1-based): chr4:168,898,659, T>C. VCF-style: chr4-168898659-T-C. GRCh37 (hg19) VCF-style: chr4-169819810-T-C.
Other names: c.1220T>C, p.Phe407Ser (NM_001166109.2); c.905T>C, p.Phe302Ser (NM_001166110.2); c.245T>C, p.Phe82Ser (NM_001367567.1, NM_001367569.1); c.296T>C, p.Phe99Ser (NM_001367568.1, NM_001367570.1); c.2366T>C, p.Phe789Ser (NM_016081.4); short protein forms F302S, F407S, F789S, F806S, F82S, F99S.
Identifiers: ClinVar variation 4861530 (VCV004861530.1).